The following is an entry in ClinVar:

NM_020911.2(PLXNA4):c.1015T>A (p.Phe339Ile)

Gene: PLXNA4 (plexin A4; minus strand). Cytogenetic location: 7q32.3.
Variant type: single nucleotide variant.
Coding change: c.1015T>A on transcript NM_020911.2 (MANE Select); coding-DNA position 1015, T replaced by A.
Protein change: p.Phe339Ile; replaces phenylalanine 339 with isoleucine.
Molecular consequence: missense variant.
Genome position (GRCh38, 1-based): chr7:132,507,679, A>T on the plus strand (T>A on the coding strand, the complement: PLXNA4 is on the minus strand). VCF-style: chr7-132507679-A-T. GRCh37 (hg19) VCF-style: chr7-132192438-A-T.
Other names: c.1015T>A, p.Phe339Ile (NM_001105543.2, NM_001393897.1, NM_181775.4); short protein forms F339I.
Identifiers: ClinVar variation 3054419 (VCV003054419.2), dbSNP rs1018483878, ClinGen allele CA167317161.

ClinVar aggregate classification (germline): Uncertain significance (0 of 4 stars; one submission).

Conditions:
PLXNA4-related disorder. Also called: PLXNA4-related condition.

Allele frequency attached by ClinVar (database versions not stated): gnomAD exomes below 0.00001; TOPMed below 0.00001; gnomAD 0.00001.
gnomAD v4.1: 2 of 1,614,118 alleles (0.00012%); highest among the groups gnomAD compares: Non-Finnish European, 0.00017%; no homozygotes.

Submission:

PreventionGenetics, part of Exact Sciences
Classification: Uncertain significance for PLXNA4-related condition. Last evaluated: 2023-11-30. Review status: no assertion criteria provided. Collection method: clinical testing. Allele origin: germline.
Comment: The PLXNA4 c.1015T>A variant is predicted to result in the amino acid substitution p.Phe339Ile. To our knowledge, this variant has not been reported in the literature or in a large population database, indicating this variant is rare. At this time, the clinical significance of this variant is uncertain due to the absence of conclusive functional and genetic evidence.